The following is an entry in ClinVar:

ClinVar aggregate classification (germline): Conflicting classifications of pathogenicity. Review status: criteria provided, conflicting classifications (1 of 4 stars). 3 submissions from 3 submitters: Uncertain significance (1); Likely benign (2). Last evaluated 2025-12-09.

Conditions:
Inborn genetic diseases. Identifiers: MedGen C0950123, MeSH D030342.

Allele frequency attached by ClinVar (database versions not stated): ExAC 0.00002; gnomAD 0.00002; gnomAD exomes 0.00002; TOPMed 0.00002.
gnomAD v4.1: 34 of 1,613,910 alleles (0.0021%); highest among the groups gnomAD compares: Middle Eastern, 0.049%; no homozygotes.

Submissions (3):

Ambry Genetics
Classification: Likely benign for Inborn genetic diseases. Last evaluated: 2025-12-09. Review status: criteria provided, single submitter. Criteria: Ambry Variant Classification Scheme 2023. Collection method: clinical testing. Allele origin: germline.

Labcorp Genetics (formerly Invitae), Labcorp
Classification: Uncertain significance. Last evaluated: 2025-10-10. Review status: criteria provided, single submitter. Criteria: Invitae Variant Classification Sherloc (09022015). Collection method: clinical testing. Allele origin: germline.
Comment: This sequence change replaces valine, which is neutral and non-polar, with isoleucine, which is neutral and non-polar, at codon 106 of the FOXP1 protein (p.Val106Ile). This variant is present in population databases (rs755709669, gnomAD 0.005%). This variant has not been reported in the literature in individuals affected with FOXP1-related conditions. ClinVar contains an entry for this variant (Variation ID: 1214868). Invitae Evidence Modeling of protein sequence and biophysical properties (such as structural, functional, and spatial information, amino acid conservation, physicochemical variation, residue mobility, and thermodynamic stability) indicates that this missense variant is not expected to disrupt FOXP1 protein function with a negative predictive value of 80%. Algorithms developed to predict the effect of sequence changes on RNA splicing suggest that this variant may create or strengthen a splice site. In summary, the available evidence is currently insufficient to determine the role of this variant in disease. Therefore, it has been classified as a Variant of Uncertain Significance.

GeneDx
Classification: Likely benign. Last evaluated: 2021-01-04. Review status: criteria provided, single submitter. Criteria: GeneDx Variant Classification Process June 2021. Collection method: clinical testing. Allele origin: germline. Affected: yes.
Comment: In silico analysis supports that this missense variant does not alter protein structure/function

NM_001349338.3(FOXP1):c.316G>A (p.Val106Ile)

Gene: FOXP1 (forkhead box P1; minus strand). Cytogenetic location: 3p13.
Variant type: single nucleotide variant.
Coding change: c.316G>A on transcript NM_001349338.3 (MANE Select); coding-DNA position 316, G replaced by A.
Protein change: p.Val106Ile; replaces valine 106 with isoleucine.
Molecular consequence: missense variant. On other transcripts: non-coding transcript variant (2), intron variant (1).
Genome position (GRCh38, 1-based): chr3:71,053,740, C>T on the plus strand (G>A on the coding strand, the complement: FOXP1 is on the minus strand). VCF-style: chr3-71053740-C-T. GRCh37 (hg19) VCF-style: chr3-71102891-C-T.
Other names: c.316G>A, p.Val106Ile (NM_001244808.3, NM_001244810.2, NM_001244814.3 and 4 more transcripts); c.16G>A, p.Val6Ile (NM_001244813.3, NM_001244815.2, NM_001349337.2 and 4 more transcripts); c.283-6645G>A (NM_001244812.3); short protein forms V106I, V6I.
Identifiers: ClinVar variation 1214868 (VCV001214868.9), dbSNP rs755709669, ClinGen allele CA2491279.